The following is an entry in ClinVar:

NM_012123.4(MTO1):c.1046T>C (p.Leu349Ser)

Gene: MTO1 (mitochondrial tRNA translation optimization 1; plus strand). Cytogenetic location: 6q13.
Variant type: single nucleotide variant.
Coding change: c.1046T>C on transcript NM_012123.4 (MANE Select); coding-DNA position 1046, T replaced by C.
Protein change: p.Leu349Ser; replaces leucine 349 with serine.
Molecular consequence: missense variant.
Genome position (GRCh38, 1-based): chr6:73,480,043, T>C. VCF-style: chr6-73480043-T-C. GRCh37 (hg19) VCF-style: chr6-74189766-T-C.
Other names: c.1046T>C, p.Leu349Ser (NM_001123226.2, NM_133645.3); short protein forms L349S.
Identifiers: ClinVar variation 2171496 (VCV002171496.2), dbSNP rs370002264, ClinGen allele CA3889508.

ClinVar aggregate classification (germline): Conflicting classifications of pathogenicity. Review status: criteria provided, conflicting classifications (1 of 4 stars). 2 submissions from 2 submitters: Likely pathogenic (1); Uncertain significance (1). Last evaluated 2026-08-01.

Conditions:
Mitochondrial hypertrophic cardiomyopathy with lactic acidosis due to MTO1 deficiency. Also called: CARDIOMYOPATHY, INFANTILE HYPERTROPHIC MITOCHONDRIAL, AND LACTIC ACIDOSIS; Combined oxidative phosphorylation deficiency 10. Identifiers: Orphanet 314637, MedGen C4749921, MONDO:0013865, OMIM 614702.

Allele frequency attached by ClinVar (database versions not stated): gnomAD exomes below 0.00001; ExAC 0.00001; gnomAD 0.00003; TOPMed 0.00005; ESP Exome Variant Server 0.00008.
gnomAD v4.1: 12 of 1,614,058 alleles (0.00074%); highest among the groups gnomAD compares: African/African-American, 0.012%; no homozygotes.

Submissions (2):

CeGaT Center for Human Genetics Tuebingen
Classification: Likely pathogenic. Last evaluated: 2026-08-01. Review status: criteria provided, single submitter. Criteria: CeGaT Center For Human Genetics Tuebingen Variant Classification Criteria Version 2. Collection method: clinical testing. Allele origin: germline. Affected: yes. Observed: 1 variant allele.
Comment: MTO1: PM2, PM3, PP4:Moderate

Labcorp Genetics (formerly Invitae), Labcorp
Classification: Uncertain significance for Mitochondrial hypertrophic cardiomyopathy with lactic acidosis due to MTO1 deficiency. Last evaluated: 2022-07-31. Review status: criteria provided, single submitter. Criteria: Invitae Variant Classification Sherloc (09022015). Collection method: clinical testing. Allele origin: germline.
Comment: This sequence change replaces leucine, which is neutral and non-polar, with serine, which is neutral and polar, at codon 349 of the MTO1 protein (p.Leu349Ser). This variant is present in population databases (rs370002264, gnomAD 0.02%). This variant has not been reported in the literature in individuals affected with MTO1-related conditions. Algorithms developed to predict the effect of missense changes on protein structure and function are either unavailable or do not agree on the potential impact of this missense change (SIFT: "Deleterious"; PolyPhen-2: "Probably Damaging"; Align-GVGD: "Class C0"). In summary, the available evidence is currently insufficient to determine the role of this variant in disease. Therefore, it has been classified as a Variant of Uncertain Significance.